The following is an entry in ClinVar:

ClinVar aggregate classification (germline): Benign (1 of 4 stars; one submission).

Conditions:
Intellectual developmental disorder, autosomal recessive 1. Also called: Intellectual disability, autosomal recessive 1; MENTAL RETARDATION, AUTOSOMAL RECESSIVE 1. Identifiers: Orphanet 88616, MedGen C1855304, MONDO:0009580, OMIM 249500.

Allele frequency attached by ClinVar (database versions not stated): 1000 Genomes Project 0.01498; 1000 Genomes Project 30x 0.01608; TOPMed 0.01791; gnomAD 0.01650.

Submission:

Illumina Laboratory Services, Illumina
Classification: Benign for Intellectual developmental disorder, autosomal recessive 1. Last evaluated: 2018-01-13. Review status: criteria provided, single submitter. Criteria: ICSL Variant Classification Criteria 13 December 2019. Collection method: clinical testing. Allele origin: germline.
Comment: This variant was observed in the ICSL laboratory as part of a predisposition screen in an ostensibly healthy population. It had not been previously curated by ICSL or reported in the Human Gene Mutation Database (HGMD: prior to June 1st, 2018), and was therefore a candidate for classification through an automated scoring system. Utilizing variant allele frequency, disease prevalence and penetrance estimates, and inheritance mode, an automated score was calculated to assess if this variant is too frequent to cause the disease. Based on the score and internal cut-off values, a variant classified as benign is not then subjected to further curation. The score for this variant resulted in a classification of benign for this disease.

NM_003619.4(PRSS12):c.*672C>T

Gene: PRSS12 (serine protease 12; minus strand). Cytogenetic location: 4q26.
Variant type: single nucleotide variant.
Coding change: c.*672C>T on transcript NM_003619.4 (MANE Select); 672 bases downstream of the stop codon, C replaced by T.
Molecular consequence: 3 prime UTR variant.
Genome position (GRCh38, 1-based): chr4:118,281,264, G>A on the plus strand (C>T on the coding strand, the complement: PRSS12 is on the minus strand). VCF-style: chr4-118281264-G-A. GRCh37 (hg19) VCF-style: chr4-119202419-G-A.
Identifiers: ClinVar variation 347380 (VCV000347380.5), dbSNP rs72919299, ClinGen allele CA10616982.